The following is an entry in ClinVar:

ClinVar aggregate classification (germline): Uncertain significance (1 of 4 stars; one submission).

gnomAD v4.1: 6 of 1,613,842 alleles (0.00037%); highest among the groups gnomAD compares: Non-Finnish European, 0.00042%; no homozygotes.

Submission:

Labcorp Genetics (formerly Invitae), Labcorp
Classification: Uncertain significance. Last evaluated: 2025-03-30. Review status: criteria provided, single submitter. Criteria: Invitae Variant Classification Sherloc (09022015). Collection method: clinical testing. Allele origin: germline.
Comment: This sequence change replaces serine, which is neutral and polar, with proline, which is neutral and non-polar, at codon 6 of the ANGPT1 protein (p.Ser6Pro). This variant is not present in population databases (gnomAD no frequency). This variant has not been reported in the literature in individuals affected with ANGPT1-related conditions. An algorithm developed to predict the effect of missense changes on protein structure and function (PolyPhen-2) suggests that this variant is likely to be tolerated. In summary, the available evidence is currently insufficient to determine the role of this variant in disease. Therefore, it has been classified as a Variant of Uncertain Significance.

NM_001146.5(ANGPT1):c.16T>C (p.Ser6Pro)

Gene: ANGPT1 (angiopoietin 1; minus strand). Cytogenetic location: 8q23.1.
Variant type: single nucleotide variant.
Coding change: c.16T>C on transcript NM_001146.5 (MANE Select); coding-DNA position 16, T replaced by C.
Protein change: p.Ser6Pro; replaces serine 6 with proline.
Molecular consequence: missense variant.
Genome position (GRCh38, 1-based): chr8:107,497,543, A>G on the plus strand (T>C on the coding strand, the complement: ANGPT1 is on the minus strand). VCF-style: chr8-107497543-A-G. GRCh37 (hg19) VCF-style: chr8-108509771-A-G.
Other names: c.16T>C, p.Ser6Pro (NM_001199859.3); short protein forms S6P.
Identifiers: ClinVar variation 4781378 (VCV004781378.1).